The following is an entry in ClinVar:

NM_025212.4(CXXC4):c.390T>G (p.Gly130=)

Genes: CXXC4 (CXXC finger protein 4; minus strand), CXXC4-AS1 (CXXC4 antisense RNA 1; plus strand). Cytogenetic location: 4q24.
Variant type: single nucleotide variant.
Coding change: c.390T>G on transcript NM_025212.4 (MANE Select); coding-DNA position 390, T replaced by G.
Protein change: p.Gly130=; no amino-acid change (glycine 130 retained).
Molecular consequence: synonymous variant.
Genome position (GRCh38, 1-based): chr4:104,491,413, A>C on the plus strand (T>G on the coding strand, the complement: CXXC4 is on the minus strand). VCF-style: chr4-104491413-A-C. GRCh37 (hg19) VCF-style: chr4-105412570-A-C.
Identifiers: ClinVar variation 2654991 (VCV002654991.24), dbSNP rs896194417, ClinGen allele CA103293258.
Genomic context (GRCh38, chr4:104,491,413, plus strand): 5'-CGAGGAGGAGGAGGCGGAGGAGGAGGCGGCGGCGGAGGAGGATTTCCTGCCGCCCCCACC[A>C]CCCCCGCCCCCGCCTCCGCCGCCGCCGCCGCCGCCGCCACCCCCCCCGCCGCCGCCCCCG-3'
Protein context (NP_079488.2, residues 120-140): GGGGGGGGGG[Gly130=]GGGGRKSSSA

ClinVar aggregate classification (germline): Likely benign (1 of 4 stars; one submission).

Submission:

CeGaT Center for Human Genetics Tuebingen
Classification: Likely benign. Last evaluated: 2024-02-01. Review status: criteria provided, single submitter. Criteria: CeGaT Center For Human Genetics Tuebingen Variant Classification Criteria Version 2. Collection method: clinical testing. Allele origin: germline. Affected: yes. Observed: 2 variant alleles.
Comment: CXXC4: BP4, BP7